The following is an entry in ClinVar:

NM_015459.5(ATL3):c.1325G>A (p.Arg442Gln)

Genes: ATL3 (atlastin GTPase 3; minus strand), LNCROPM (lncRNA regulator of PLAAT3 mediated phospholipid metabolism; plus strand). Cytogenetic location: 11q13.1.
Variant type: single nucleotide variant.
Coding change: c.1325G>A on transcript NM_015459.5 (MANE Select); coding-DNA position 1325, G replaced by A.
Protein change: p.Arg442Gln; replaces arginine 442 with glutamine.
Molecular consequence: missense variant.
Genome position (GRCh38, 1-based): chr11:63,631,254, C>T on the plus strand (G>A on the coding strand, the complement: ATL3 is on the minus strand). VCF-style: chr11-63631254-C-T. GRCh37 (hg19) VCF-style: chr11-63398726-C-T.
Other names: c.1271G>A, p.Arg424Gln (NM_001290048.2); short protein forms R424Q, R442Q.
Identifiers: ClinVar variation 576489 (VCV000576489.9), dbSNP rs574916292, ClinGen allele CA6063541.

ClinVar aggregate classification (germline): Uncertain significance (1 of 4 stars; one submission).

Conditions:
Neuropathy, hereditary sensory, type 1F. Also called: Hereditary sensory neuropathy type IF; HSN IF. Identifiers: Orphanet 36386, MedGen C3810194, MONDO:0014286, OMIM 615632.

Allele frequency attached by ClinVar (database versions not stated): TOPMed below 0.00001; gnomAD 0.00001 and 0.00002; gnomAD exomes 0.00002; ExAC 0.00003; 1000 Genomes Project 30x 0.00016; 1000 Genomes Project 0.00020.
gnomAD v4.1: 32 of 1,614,204 alleles (0.002%); highest among the groups gnomAD compares: South Asian, 0.027%; no homozygotes.

Submission:

Labcorp Genetics (formerly Invitae), Labcorp
Classification: Uncertain significance for Neuropathy, hereditary sensory, type 1F. Last evaluated: 2023-05-22. Review status: criteria provided, single submitter. Criteria: Invitae Variant Classification Sherloc (09022015). Collection method: clinical testing. Allele origin: germline.
Comment: This sequence change replaces arginine, which is basic and polar, with glutamine, which is neutral and polar, at codon 442 of the ATL3 protein (p.Arg442Gln). This variant is present in population databases (rs574916292, gnomAD 0.01%). In summary, the available evidence is currently insufficient to determine the role of this variant in disease. Therefore, it has been classified as a Variant of Uncertain Significance. Advanced modeling of protein sequence and biophysical properties (such as structural, functional, and spatial information, amino acid conservation, physicochemical variation, residue mobility, and thermodynamic stability) performed at Invitae indicates that this missense variant is not expected to disrupt ATL3 protein function. ClinVar contains an entry for this variant (Variation ID: 576489). This variant has not been reported in the literature in individuals affected with ATL3-related conditions.